The following is an entry in ClinVar:

NM_001374828.1(ARID1B):c.1791+1G>A

Gene: ARID1B (AT-rich interaction domain 1B; plus strand). Cytogenetic location: 6q25.3.
Variant type: single nucleotide variant.
Coding change: c.1791+1G>A on transcript NM_001374828.1 (MANE Select); the canonical splice donor site of the intron after coding-DNA position 1791, G replaced by A.
Molecular consequence: splice donor variant.
Genome position (GRCh38, 1-based): chr6:156,779,472, G>A. VCF-style: chr6-156779472-G-A. GRCh37 (hg19) VCF-style: chr6-157100606-G-A.
Other names: c.1791+1G>A (NM_001371656.1, NM_001374820.1, NM_001438483.1 and 9 more transcripts).
Identifiers: ClinVar variation 4293576 (VCV004293576.1).

ClinVar aggregate classification (germline): Pathogenic (1 of 4 stars; one submission).

Conditions:
Coffin-Siris syndrome 1 (CSS1). Also called: ARID1B-Related Coffin-Siris Syndrome; Mental retardation, autosomal dominant 12. Identifiers: Orphanet 1465, MedGen C3281201, MONDO:0007617, OMIM 135900. Disease mechanism: gain of function.

Submission:

3billion
Classification: Pathogenic for Coffin-Siris syndrome 1. Last evaluated: 2024-07-25. Review status: criteria provided, single submitter. Criteria: ACMG Guidelines, 2015. Collection method: clinical testing. Allele origin: germline. Affected: yes.
Comment: The variant is not observed in the gnomAD v4.0.0 dataset. Predicted Consequence/Location: Canonical splice site: predicted to alter splicing and result in a loss or disruption of normal protein function. Multiple pathogenic loss-of-function variants are reported downstream of the variant. In silico tools predict the variant to alter splicing and produce an abnormal transcript [SpliceAI: 0.95 (spliceogenicity >=0.2, non-spliceogenicity <0.1)]. The variant has been reported to be associated with ARID1B related disorder (PMID: 23929686). Therefore, this variant is classified as Pathogenic according to the recommendation of ACMG/AMP guideline.

Literature cited by the submitters: PubMed 23929686.